The following is an entry in ClinVar:

NM_000642.3(AGL):c.25A>G (p.Ile9Val)

Gene: AGL (amylo-alpha-1,6-glucosidase and 4-alpha-glucanotransferase; plus strand). Cytogenetic location: 1p21.2.
Variant type: single nucleotide variant.
Coding change: c.25A>G on transcript NM_000642.3 (MANE Select); coding-DNA position 25, A replaced by G.
Protein change: p.Ile9Val; replaces isoleucine 9 with valine.
Molecular consequence: missense variant.
Genome position (GRCh38, 1-based): chr1:99,851,067, A>G. VCF-style: chr1-99851067-A-G. GRCh37 (hg19) VCF-style: chr1-100316623-A-G.
Other names: c.25A>G, p.Ile9Val (NM_000028.3, NM_000643.3, NM_000644.3 and 6 more transcripts); c.-167A>G (NM_000646.3); short protein forms I9V.
Identifiers: ClinVar variation 663206 (VCV000663206.6), dbSNP rs1263396578, ClinGen allele CA341323520.
Genomic context (GRCh38, chr1:99,851,067, plus strand): 5'-TTCTTATGAAAGATTTCAAATCCTCTAGAAGCCAAAATGGGACACAGTAAACAGATTCGA[A>G]TTTTACTTCTGAACGAAATGGAGAAACTGGAAAAGACCCTCTTCAGACTTGAACAAGGTC-3'
Protein context (NP_000633.2, residues 1-19): MGHSKQIR[Ile9Val]LLLNEMEKLE

ClinVar aggregate classification (germline): Uncertain significance (1 of 4 stars; one submission).

Conditions:
Glycogen storage disease type III (GSD3). Also called: FORBES DISEASE; Cori disease. Identifiers: Orphanet 366, MedGen C0017922, MONDO:0009291, OMIM 232400.

Allele frequency attached by ClinVar (database versions not stated): gnomAD exomes below 0.00001; TOPMed below 0.00001; gnomAD 0.00001.
gnomAD v4.1: 8 of 1,613,990 alleles (0.0005%); highest among the groups gnomAD compares: Non-Finnish European, 0.00059%; no homozygotes.

Submission:

Labcorp Genetics (formerly Invitae), Labcorp
Classification: Uncertain significance for Glycogen storage disease type III. Last evaluated: 2021-08-30. Review status: criteria provided, single submitter. Criteria: Invitae Variant Classification Sherloc (09022015). Collection method: clinical testing. Allele origin: germline.
Comment: This sequence change replaces isoleucine with valine at codon 9 of the AGL protein (p.Ile9Val). The isoleucine residue is weakly conserved and there is a small physicochemical difference between isoleucine and valine. This variant is not present in population databases (ExAC no frequency). This variant has not been reported in the literature in individuals affected with AGL-related conditions. Algorithms developed to predict the effect of missense changes on protein structure and function (SIFT, PolyPhen-2, Align-GVGD) all suggest that this variant is likely to be tolerated. In summary, the available evidence is currently insufficient to determine the role of this variant in disease. Therefore, it has been classified as a Variant of Uncertain Significance.